The following is an entry in ClinVar:

NM_000321.3(RB1):c.293T>C (p.Leu98Pro)

Gene: RB1 (RB transcriptional corepressor 1; plus strand). Cytogenetic location: 13q14.2.
Variant type: single nucleotide variant.
Coding change: c.293T>C on transcript NM_000321.3 (MANE Select); coding-DNA position 293, T replaced by C.
Protein change: p.Leu98Pro; replaces leucine 98 with proline.
Molecular consequence: missense variant.
Genome position (GRCh38, 1-based): chr13:48,342,627, T>C. VCF-style: chr13-48342627-T-C. GRCh37 (hg19) VCF-style: chr13-48916763-T-C.
Other names: short protein forms L98P.
Identifiers: ClinVar variation 1502192 (VCV001502192.8), dbSNP rs2138083652, ClinGen allele CA388252376.
Genomic context (GRCh38, chr13:48,342,627, plus strand): 5'-TGAAATATTTGATCTTTATTTTTTGTTCCCAGGGAGGTTATATTCAAAAGAAAAAGGAAC[T>C]GTGGGGAATCTGTATCTTTATTGCAGCAGTTGACCTAGATGAGATGTCGTTCACTTTTAC-3'
Protein context (NP_000312.2, residues 88-108): LGGYIQKKKE[Leu98Pro]WGICIFIAAV

ClinVar aggregate classification (germline): Uncertain significance (1 of 4 stars; one submission).

Conditions:
Retinoblastoma (RB1). Also called: RETINOBLASTOMA, SOMATIC. Identifiers: Orphanet 790, MedGen C0035335, MeSH D012175, MONDO:0008380, OMIM 180200, HP:0009919. Disease mechanism: loss of function. Inheritance: Both sporadic and heritable forms are tested..

Submission:

Labcorp Genetics (formerly Invitae), Labcorp
Classification: Uncertain significance for Retinoblastoma. Last evaluated: 2021-01-13. Review status: criteria provided, single submitter. Criteria: Invitae Variant Classification Sherloc (09022015). Collection method: clinical testing. Allele origin: germline.
Comment: In summary, the available evidence is currently insufficient to determine the role of this variant in disease. Therefore, it has been classified as a Variant of Uncertain Significance. Algorithms developed to predict the effect of missense changes on protein structure and function (SIFT, PolyPhen-2, Align-GVGD) all suggest that this variant is likely to be tolerated, but these predictions have not been confirmed by published functional studies and their clinical significance is uncertain. This variant has not been reported in the literature in individuals with RB1-related conditions. This variant is not present in population databases (ExAC no frequency). This sequence change replaces leucine with proline at codon 98 of the RB1 protein (p.Leu98Pro). The leucine residue is moderately conserved and there is a moderate physicochemical difference between leucine and proline.